The following is an entry in ClinVar:

ClinVar aggregate classification (germline): Likely benign (1 of 4 stars; one submission).

Allele frequency attached by ClinVar (database versions not stated): ExAC 0.00002; TOPMed 0.00003; gnomAD 0.00004; gnomAD exomes 0.00004.
gnomAD v4.1: 49 of 1,209,683 alleles (0.0041%); highest among the groups gnomAD compares: Middle Eastern, 0.046%; no homozygotes.

Submission:

CeGaT Center for Human Genetics Tuebingen
Classification: Likely benign. Last evaluated: 2022-12-01. Review status: criteria provided, single submitter. Criteria: CeGaT Center For Human Genetics Tuebingen Variant Classification Criteria Version 2. Collection method: clinical testing. Allele origin: germline. Affected: yes. Observed: 1 variant allele.
Comment: AFF2: BP4, BS2

NM_002025.4(AFF2):c.864C>T (p.Tyr288=)

Gene: AFF2 (ALF transcription elongation factor 2; plus strand). Cytogenetic location: Xq28.
Variant type: single nucleotide variant.
Coding change: c.864C>T on transcript NM_002025.4 (MANE Select); coding-DNA position 864, C replaced by T.
Protein change: p.Tyr288=; no amino-acid change (tyrosine 288 retained).
Molecular consequence: synonymous variant.
Genome position (GRCh38, 1-based): chrX:148,662,591, C>T. VCF-style: chrX-148662591-C-T. GRCh37 (hg19) VCF-style: chrX-147744112-C-T.
Other names: c.852C>T, p.Tyr284= (NM_001169122.2, NM_001169123.2, NM_001169125.2); c.864C>T, p.Tyr288= (NM_001169124.2).
Identifiers: ClinVar variation 2661599 (VCV002661599.24), dbSNP rs782802279, ClinGen allele CA10536853.